The following is an entry in ClinVar:

ClinVar aggregate classification (germline): Uncertain significance. Review status: criteria provided, multiple submitters, no conflicts (2 of 4 stars). 3 submissions from 3 submitters: Uncertain significance (3). Last evaluated 2026-01-01.

Conditions:
Werner syndrome (WRN). Identifiers: Orphanet 902, MedGen C0043119, MONDO:0010196, OMIM 277700.

Allele frequency attached by ClinVar (database versions not stated): gnomAD exomes 0.00001 and 0.00002; ExAC 0.00002; gnomAD 0.00004; TOPMed 0.00005.
gnomAD v4.1: 36 of 1,612,930 alleles (0.0022%); highest among the groups gnomAD compares: African/African-American, 0.004%; no homozygotes.

Submissions (3):

CeGaT Center for Human Genetics Tuebingen
Classification: Uncertain significance. Last evaluated: 2026-01-01. Review status: criteria provided, single submitter. Criteria: CeGaT Center For Human Genetics Tuebingen Variant Classification Criteria Version 2. Collection method: clinical testing. Allele origin: germline. Affected: yes. Observed: 1 variant allele.

Labcorp Genetics (formerly Invitae), Labcorp
Classification: Uncertain significance for Werner syndrome. Last evaluated: 2025-05-19. Review status: criteria provided, single submitter. Criteria: Invitae Variant Classification Sherloc (09022015). Collection method: clinical testing. Allele origin: germline.
Comment: This sequence change replaces proline, which is neutral and non-polar, with serine, which is neutral and polar, at codon 1340 of the WRN protein (p.Pro1340Ser). This variant is present in population databases (rs747312018, gnomAD 0.008%). This variant has not been reported in the literature in individuals affected with WRN-related conditions. ClinVar contains an entry for this variant (Variation ID: 403988). An algorithm developed to predict the effect of missense changes on protein structure and function (PolyPhen-2) suggests that this variant is likely to be disruptive. In summary, the available evidence is currently insufficient to determine the role of this variant in disease. Therefore, it has been classified as a Variant of Uncertain Significance.

GeneDx
Classification: Uncertain significance. Last evaluated: 2019-12-26. Review status: criteria provided, single submitter. Criteria: GeneDx Variant Classification Process June 2021. Collection method: clinical testing. Allele origin: germline. Affected: yes.
Comment: In silico analysis, which includes protein predictors and evolutionary conservation, supports a deleterious effect; Has not been previously published as pathogenic or benign to our knowledge

NM_000553.6(WRN):c.4018C>T (p.Pro1340Ser)

Gene: WRN (WRN RecQ like helicase; plus strand). Cytogenetic location: 8p12.
Variant type: single nucleotide variant.
Coding change: c.4018C>T on transcript NM_000553.6 (MANE Select); coding-DNA position 4018, C replaced by T.
Protein change: p.Pro1340Ser; replaces proline 1340 with serine.
Molecular consequence: missense variant.
Genome position (GRCh38, 1-based): chr8:31,167,057, C>T. VCF-style: chr8-31167057-C-T. GRCh37 (hg19) VCF-style: chr8-31024573-C-T.
Other names: short protein forms P1340S.
Identifiers: ClinVar variation 403988 (VCV000403988.12), dbSNP rs747312018, ClinGen allele CA4705243.
Genomic context (GRCh38, chr8:31,167,057, plus strand): 5'-AATGGAGTTTTTTTATCGTTTACAGATATGAGTAAAATTAGCCTAATCAGAATGTTAGTT[C>T]CTGAAAACATTGACACGTACCTTATCCACATGGCAATTGAGATCCTTAAACATGGTCCTG-3'
Protein context (NP_000544.2, residues 1330-1350): SKISLIRMLV[Pro1340Ser]ENIDTYLIHM